The following is an entry in ClinVar:

NM_000038.6(APC):c.6606A>T (p.Lys2202Asn)

Gene: APC (APC regulator of Wnt signaling pathway; plus strand). Cytogenetic location: 5q22.2.
Variant type: single nucleotide variant.
Coding change: c.6606A>T on transcript NM_000038.6 (MANE Select); coding-DNA position 6606, A replaced by T.
Protein change: p.Lys2202Asn; replaces lysine 2202 with asparagine.
Molecular consequence: missense variant. On other transcripts: non-coding transcript variant (2).
Genome position (GRCh38, 1-based): chr5:112,842,200, A>T. VCF-style: chr5-112842200-A-T. GRCh37 (hg19) VCF-style: chr5-112177897-A-T.
Other names: c.6606A>T, p.Lys2202Asn (NM_001127510.3, NM_001354895.2, NM_001407450.1); c.6552A>T, p.Lys2184Asn (NM_001127511.3); c.6660A>T, p.Lys2220Asn (NM_001354896.2, NM_001407447.1, NM_001407448.1 and 1 more transcripts); c.6636A>T, p.Lys2212Asn (NM_001354897.2); c.6531A>T, p.Lys2177Asn (NM_001354898.2); c.6522A>T, p.Lys2174Asn (NM_001354899.2); c.6483A>T, p.Lys2161Asn (NM_001354900.2); c.6429A>T, p.Lys2143Asn (NM_001354901.2, NM_001407453.1); and 11 more; short protein forms K2111N, K2119N, K2202N, K1818N, K1919N, K2042N, K2073N, K2101N.
Identifiers: ClinVar variation 3305870 (VCV003305870.1).

ClinVar aggregate classification (germline): Uncertain significance (1 of 4 stars; one submission).

Conditions:
Hereditary cancer-predisposing syndrome. Also called: Tumor predisposition; Hereditary Cancer Syndrome; Hereditary neoplastic syndrome; Neoplastic Syndromes, Hereditary. Identifiers: Orphanet 140162, MedGen C0027672, MeSH D009386, MONDO:0015356.

Submission:

Ambry Genetics
Classification: Uncertain significance for Hereditary cancer-predisposing syndrome. Last evaluated: 2024-06-13. Review status: criteria provided, single submitter. Criteria: Ambry Variant Classification Scheme 2023. Collection method: clinical testing. Allele origin: germline.
Comment: The p.K2202N variant (also known as c.6606A>T), located in coding exon 15 of the APC gene, results from an A to T substitution at nucleotide position 6606. The lysine at codon 2202 is replaced by asparagine, an amino acid with similar properties. This amino acid position is conserved. In addition, in silico predictors for this gene do not accurately predict pathogenicity. Based on the available evidence, the clinical significance of this variant remains unclear.